The following is an entry in ClinVar:

ClinVar aggregate classification (germline): Benign (1 of 4 stars; one submission).

Conditions:
Familial colorectal cancer type X. Identifiers: Orphanet 440437, MedGen C3896578, MONDO:0018604.

gnomAD v4.1: 11 of 1,551,408 alleles (0.00071%); highest among the groups gnomAD compares: Admixed American, 0.02%; no homozygotes.

Submission:

Myriad Genetics, Inc.
Classification: Benign for Familial colorectal cancer type X. Last evaluated: 2026-08-04. Review status: criteria provided, single submitter. Criteria: Myriad Autosomal Dominant, Autosomal Recessive and X-Linked Classification Criteria (2023). Collection method: clinical testing. Allele origin: unknown.
Comment: This variant is considered benign. This variant is a silent/synonymous amino acid change and it is not expected to impact splicing.

NM_001146227.3(RPS20):c.408C>T (p.Ser136=)

Gene: RPS20 (ribosomal protein S20; minus strand). Cytogenetic location: 8q12.1.
Variant type: single nucleotide variant.
Coding change: c.408C>T on transcript NM_001146227.3; coding-DNA position 408, C replaced by T.
Protein change: p.Ser136=; no amino-acid change (serine 136 retained).
Molecular consequence: synonymous variant.
Genome position (GRCh38, 1-based): chr8:56,069,759, G>A on the plus strand (C>T on the coding strand, the complement: RPS20 is on the minus strand). VCF-style: chr8-56069759-G-A. GRCh37 (hg19) VCF-style: chr8-56982318-G-A.
Identifiers: ClinVar variation 5042159 (VCV005042159.1).
Genomic context (GRCh38, chr8:56,069,759, plus strand): 5'-ATACCTGCTTGGTCACTTTTTTGGCGGAGGAGAATGCAGTTAAAAAGGACATGTCCCCGG[G>A]GATTCGAATACACTTCTCAAAGTGTACTGCTGGCCCTCTGTATCCATGGGTTCTGCATCT-3'